The following is an entry in ClinVar:

ClinVar aggregate classification (germline): Uncertain significance (1 of 4 stars; one submission).

Allele frequency attached by ClinVar (database versions not stated): TOPMed below 0.00001.

Submission:

Labcorp Genetics (formerly Invitae), Labcorp
Classification: Uncertain significance. Last evaluated: 2022-03-10. Review status: criteria provided, single submitter. Criteria: Invitae Variant Classification Sherloc (09022015). Collection method: clinical testing. Allele origin: germline.
Comment: In summary, the available evidence is currently insufficient to determine the role of this variant in disease. Therefore, it has been classified as a Variant of Uncertain Significance. Algorithms developed to predict the effect of missense changes on protein structure and function are either unavailable or do not agree on the potential impact of this missense change (SIFT: "Deleterious"; PolyPhen-2: "Probably Damaging"; Align-GVGD: "Class C0"). This variant has not been reported in the literature in individuals affected with TUBGCP6-related conditions. This variant is not present in population databases (gnomAD no frequency). This sequence change replaces serine, which is neutral and polar, with phenylalanine, which is neutral and non-polar, at codon 1753 of the TUBGCP6 protein (p.Ser1753Phe).

NM_020461.4(TUBGCP6):c.5258C>T (p.Ser1753Phe)

Gene: TUBGCP6 (tubulin gamma complex component 6; minus strand). Cytogenetic location: 22q13.33.
Variant type: single nucleotide variant.
Coding change: c.5258C>T on transcript NM_020461.4 (MANE Select); coding-DNA position 5258, C replaced by T.
Protein change: p.Ser1753Phe; replaces serine 1753 with phenylalanine.
Molecular consequence: missense variant.
Genome position (GRCh38, 1-based): chr22:50,218,028, G>A on the plus strand (C>T on the coding strand, the complement: TUBGCP6 is on the minus strand). VCF-style: chr22-50218028-G-A. GRCh37 (hg19) VCF-style: chr22-50656457-G-A.
Other names: short protein forms S1753F.
Identifiers: ClinVar variation 1486148 (VCV001486148.8), dbSNP rs2064446566, ClinGen allele CA412162887.